The following is an entry in ClinVar:

ClinVar aggregate classification (germline): Uncertain significance. Review status: criteria provided, multiple submitters, no conflicts (2 of 4 stars). 7 submissions from 7 submitters: Uncertain significance (6). 1 of the submissions does not count toward it. Last evaluated 2026-09-21.

Conditions:
ABCC6-related disorder. Also called: ABCC6-related condition.
Arterial calcification, generalized, of infancy, 2. Identifiers: Orphanet 51608, MedGen C3276161, MONDO:0013768, OMIM 614473.
Autosomal recessive inherited pseudoxanthoma elasticum (PXE). Identifiers: Orphanet 758, MedGen CN032334, MONDO:0009925, OMIM 264800.
Pseudoxanthoma elasticum, forme fruste. Also called: Pseudoxanthoma Elasticum, Incomplete; PSEUDOXANTHOMA ELASTICUM, HETEROZYGOUS. Identifiers: Orphanet 758, MedGen C1867450, MONDO:0008333, OMIM 177850.

Allele frequency attached by ClinVar (database versions not stated): gnomAD 0.00003 and 0.00004; ExAC 0.00007; gnomAD exomes 0.00009; TOPMed 0.00010.
gnomAD v4.1: 45 of 1,614,080 alleles (0.0028%); highest among the groups gnomAD compares: East Asian, 0.033%; no homozygotes.

Submissions (7):

PreventionGenetics, part of Exact Sciences
Classification: Uncertain significance for ABCC6-related condition. Last evaluated: 2026-09-21. Review status: criteria provided, single submitter. Criteria: ACMG Guidelines, 2015. Collection method: clinical testing. Allele origin: germline.
Comment: The ABCC6 c.2125G>A variant is predicted to result in the amino acid substitution p.Glu709Lys. This variant was reported in an individual with pseudoxanthoma elasticum however limited information was provided (Supplemental Table 2, Legrand et al. 2017. PubMed ID: 28102862). This variant is reported in 0.090% of alleles in individuals of East Asian descent in gnomAD. At this time, the clinical significance of this variant is uncertain due to the absence of conclusive functional and genetic evidence.

Blueprint Genetics
Classification: Uncertain significance. Last evaluated: 2024-10-09. Review status: criteria provided, single submitter. Criteria: ACMG Guidelines, 2015. Collection method: clinical testing. Allele origin: germline.

Fulgent Genetics
Classification: Uncertain significance for Pseudoxanthoma elasticum, forme fruste; Autosomal recessive inherited pseudoxanthoma elasticum; Arterial calcification, generalized, of infancy, 2. Last evaluated: 2024-02-14. Review status: criteria provided, single submitter. Criteria: ACMG Guidelines, 2015. Collection method: clinical testing. Allele origin: germline.

Labcorp Genetics (formerly Invitae), Labcorp
Classification: Uncertain significance. Last evaluated: 2022-10-04. Review status: criteria provided, single submitter. Criteria: Invitae Variant Classification Sherloc (09022015). Collection method: clinical testing. Allele origin: germline.
Comment: This sequence change replaces glutamic acid, which is acidic and polar, with lysine, which is basic and polar, at codon 709 of the ABCC6 protein (p.Glu709Lys). This variant is present in population databases (rs114303883, gnomAD 0.1%). This missense change has been observed in individual(s) with clinical features of pseudoxanthoma elasticum (PMID: 28102862). ClinVar contains an entry for this variant (Variation ID: 433460). Advanced modeling of protein sequence and biophysical properties (such as structural, functional, and spatial information, amino acid conservation, physicochemical variation, residue mobility, and thermodynamic stability) has been performed at Invitae for this missense variant, however the output from this modeling did not meet the statistical confidence thresholds required to predict the impact of this variant on ABCC6 protein function. Algorithms developed to predict the effect of sequence changes on RNA splicing suggest that this variant may create or strengthen a splice site. In summary, the available evidence is currently insufficient to determine the role of this variant in disease. Therefore, it has been classified as a Variant of Uncertain Significance.

Revvity Omics, Revvity
Classification: Uncertain significance. Last evaluated: 2021-08-16. Review status: criteria provided, single submitter. Criteria: ACMG Guidelines, 2015. Collection method: clinical testing. Allele origin: germline.

Juno Genomics, Hangzhou Juno Genomics, Inc
Classification: Uncertain significance for Arterial calcification, generalized, of infancy, 2; Autosomal recessive inherited pseudoxanthoma elasticum; Pseudoxanthoma elasticum, forme fruste. Review status: criteria provided, single submitter. Criteria: ACMG Guidelines, 2015. Collection method: clinical testing. Allele origin: germline.
Comment: Absent from controls (or at extremely low frequency if recessive) in Genome Aggregation Database.;Multiple lines of computational evidence support a deleterious effect on the gene or gene product.;For recessive disorders, detected in trans with a pathogenic variant.;Patient's phenotype or family history is highly specific for a disease with a single genetic etiology.

PXE International
Classification: Uncertain significance for Autosomal recessive inherited pseudoxanthoma elasticum. Last evaluated: 2021-02-16. Review status: no assertion criteria provided. Collection method: research. Allele origin: germline. Inheritance: Autosomal recessive inheritance. Affected: yes. Observed: 1 variant allele. Not counted in ClinVar's aggregate classification.

Literature cited by the submitters: PubMed 28102862 (cited by Labcorp Genetics (formerly Invitae), Labcorp); PubMed 32873932 (cited by PXE International).

NM_001171.6(ABCC6):c.2125G>A (p.Glu709Lys)

Gene: ABCC6 (ATP binding cassette subfamily C member 6; minus strand). Cytogenetic location: 16p13.11.
Variant type: single nucleotide variant.
Coding change: c.2125G>A on transcript NM_001171.6 (MANE Select); coding-DNA position 2125, G replaced by A.
Protein change: p.Glu709Lys; replaces glutamic acid 709 with lysine.
Molecular consequence: missense variant. On other transcripts: non-coding transcript variant (1).
Genome position (GRCh38, 1-based): chr16:16,182,534, C>T on the plus strand (G>A on the coding strand, the complement: ABCC6 is on the minus strand). VCF-style: chr16-16182534-C-T. GRCh37 (hg19) VCF-style: chr16-16276391-C-T.
Other names: c.1783G>A, p.Glu595Lys (NM_001351800.1); short protein forms E709K, E595K.
Identifiers: ClinVar variation 433460 (VCV000433460.14), dbSNP rs114303883, ClinGen allele CA7926005.
Genomic context (GRCh38, chr16:16,182,534, plus strand): 5'-AGGCTTCTAGTACTCTCTCCAGCCAGGGTGGGTCCAGCTCCTGCCCGAAGCACACATTCT[C>T]TACCACAGAGGTGTTCTGCACCCAGGCCTCCTGGGGCACGTAGGCCACAGCACCCTAAAA-3'
Protein context (NP_001162.5, residues 699-719): EAWVQNTSVV[Glu709Lys]NVCFGQELDP